The following is an entry in ClinVar:

NM_031935.3(HMCN1):c.7397A>G (p.Glu2466Gly)

Gene: HMCN1 (hemicentin 1; plus strand). Cytogenetic location: 1q31.1.
Variant type: single nucleotide variant.
Coding change: c.7397A>G on transcript NM_031935.3 (MANE Select); coding-DNA position 7397, A replaced by G.
Protein change: p.Glu2466Gly; replaces glutamic acid 2466 with glycine.
Molecular consequence: missense variant.
Genome position (GRCh38, 1-based): chr1:186,061,935, A>G. VCF-style: chr1-186061935-A-G. GRCh37 (hg19) VCF-style: chr1-186031067-A-G.
Other names: c.7397A>G (NM_031935.2); short protein forms E2466G.
Identifiers: ClinVar variation 2417429 (VCV002417429.7), dbSNP rs774856708, ClinGen allele CA1292819.

ClinVar aggregate classification (germline): Uncertain significance. Review status: criteria provided, multiple submitters, no conflicts (2 of 4 stars). 2 submissions from 2 submitters: Uncertain significance (2). Last evaluated 2025-10-29.

Allele frequency attached by ClinVar (database versions not stated): gnomAD exomes below 0.00001; ExAC 0.00001; TOPMed 0.00001.
gnomAD v4.1: 2 of 1,612,400 alleles (0.00012%); highest among the groups gnomAD compares: Admixed American, 0.0033%; no homozygotes.

Submissions (2):

Ambry Genetics
Classification: Uncertain significance. Last evaluated: 2025-10-29. Review status: criteria provided, single submitter. Criteria: Ambry Variant Classification Scheme 2023. Collection method: clinical testing. Allele origin: germline.

Labcorp Genetics (formerly Invitae), Labcorp
Classification: Uncertain significance. Last evaluated: 2022-06-16. Review status: criteria provided, single submitter. Criteria: Invitae Variant Classification Sherloc (09022015). Collection method: clinical testing. Allele origin: germline.
Comment: In summary, the available evidence is currently insufficient to determine the role of this variant in disease. Therefore, it has been classified as a Variant of Uncertain Significance. Algorithms developed to predict the effect of missense changes on protein structure and function output the following: SIFT: "Tolerated"; PolyPhen-2: "Probably Damaging"; Align-GVGD: "Class C0". The glycine amino acid residue is found in multiple mammalian species, which suggests that this missense change does not adversely affect protein function. This variant has not been reported in the literature in individuals affected with HMCN1-related conditions. This variant is present in population databases (rs774856708, gnomAD 0.006%). This sequence change replaces glutamic acid, which is acidic and polar, with glycine, which is neutral and non-polar, at codon 2466 of the HMCN1 protein (p.Glu2466Gly).